The following is an entry in ClinVar:

ClinVar aggregate classification (germline): Uncertain significance (1 of 4 stars; one submission).

Submission:

Labcorp Genetics (formerly Invitae), Labcorp
Classification: Uncertain significance. Last evaluated: 2024-02-24. Review status: criteria provided, single submitter. Criteria: Invitae Variant Classification Sherloc (09022015). Collection method: clinical testing. Allele origin: germline.
Comment: This sequence change replaces proline, which is neutral and non-polar, with alanine, which is neutral and non-polar, at codon 606 of the PCDH12 protein (p.Pro606Ala). This variant is not present in population databases (gnomAD no frequency). This variant has not been reported in the literature in individuals affected with PCDH12-related conditions. ClinVar contains an entry for this variant (Variation ID: 2077141). Advanced modeling of protein sequence and biophysical properties (such as structural, functional, and spatial information, amino acid conservation, physicochemical variation, residue mobility, and thermodynamic stability) performed at Invitae indicates that this missense variant is not expected to disrupt PCDH12 protein function with a negative predictive value of 95%. In summary, the available evidence is currently insufficient to determine the role of this variant in disease. Therefore, it has been classified as a Variant of Uncertain Significance.

NM_016580.4(PCDH12):c.1816C>G (p.Pro606Ala)

Genes: PCDH12 (protocadherin 12; minus strand), RNF14 (ring finger protein 14; plus strand). Cytogenetic location: 5q31.3.
Variant type: single nucleotide variant.
Coding change: c.1816C>G on transcript NM_016580.4 (MANE Select); coding-DNA position 1816, C replaced by G.
Protein change: p.Pro606Ala; replaces proline 606 with alanine.
Molecular consequence: missense variant.
Genome position (GRCh38, 1-based): chr5:141,956,036, G>C on the plus strand (C>G on the coding strand, the complement: PCDH12 is on the minus strand). VCF-style: chr5-141956036-G-C. GRCh37 (hg19) VCF-style: chr5-141335601-G-C.
Other names: short protein forms P606A.
Identifiers: ClinVar variation 2077141 (VCV002077141.4), dbSNP rs2532553908, ClinGen allele CA361581938.